The following is an entry in ClinVar:

ClinVar aggregate classification (germline): Uncertain significance (1 of 4 stars; one submission).

Conditions:
Schuurs-Hoeijmakers syndrome. Also called: PACS1-Related Neurodevelopmental Disorder. Identifiers: Orphanet 329224, MedGen C3554343, MONDO:0014006, OMIM 615009.

gnomAD v4.1: 1 of 1,613,404 alleles (0.000062%); highest among the groups gnomAD compares: Admixed American, 0.0017%; no homozygotes.

Submission:

Labcorp Genetics (formerly Invitae), Labcorp
Classification: Uncertain significance for Schuurs-Hoeijmakers syndrome. Last evaluated: 2025-09-23. Review status: criteria provided, single submitter. Criteria: Invitae Variant Classification Sherloc (09022015). Collection method: clinical testing. Allele origin: germline.
Comment: This sequence change replaces isoleucine, which is neutral and non-polar, with valine, which is neutral and non-polar, at codon 143 of the PACS1 protein (p.Ile143Val). This variant is present in population databases (no rsID available, gnomAD 0.003%). This variant has not been reported in the literature in individuals affected with PACS1-related conditions. ClinVar contains an entry for this variant (Variation ID: 3678854). Invitae Evidence Modeling of protein sequence and biophysical properties (such as structural, functional, and spatial information, amino acid conservation, physicochemical variation, residue mobility, and thermodynamic stability) has been performed for this missense variant. However, the output from this modeling did not meet the statistical confidence thresholds required to predict the impact of this variant on PACS1 protein function. In summary, the available evidence is currently insufficient to determine the role of this variant in disease. Therefore, it has been classified as a Variant of Uncertain Significance.

NM_018026.4(PACS1):c.427A>G (p.Ile143Val)

Gene: PACS1 (phosphofurin acidic cluster sorting protein 1; plus strand). Cytogenetic location: 11q13.2.
Variant type: single nucleotide variant.
Coding change: c.427A>G on transcript NM_018026.4 (MANE Select); coding-DNA position 427, A replaced by G.
Protein change: p.Ile143Val; replaces isoleucine 143 with valine.
Molecular consequence: missense variant.
Genome position (GRCh38, 1-based): chr11:66,193,556, A>G. VCF-style: chr11-66193556-A-G. GRCh37 (hg19) VCF-style: chr11-65961027-A-G.
Other names: short protein forms I143V.
Identifiers: ClinVar variation 3678854 (VCV003678854.2).